The following is an entry in ClinVar:

ClinVar aggregate classification (germline): Uncertain significance (1 of 4 stars; one submission).

gnomAD v4.1: 2 of 1,613,060 alleles (0.00012%); highest among the groups gnomAD compares: Non-Finnish European, 0.00017%; no homozygotes.

Submission:

Labcorp Genetics (formerly Invitae), Labcorp
Classification: Uncertain significance. Last evaluated: 2025-07-18. Review status: criteria provided, single submitter. Criteria: Invitae Variant Classification Sherloc (09022015). Collection method: clinical testing. Allele origin: germline.
Comment: This sequence change falls in intron 19 of the LZTR1 gene. It does not directly change the encoded amino acid sequence of the LZTR1 protein. It affects a nucleotide within the consensus splice site. This variant is not present in population databases (gnomAD no frequency). This variant has not been reported in the literature in individuals affected with LZTR1-related conditions. ClinVar contains an entry for this variant (Variation ID: 2734806). Variants that disrupt the consensus splice site are a relatively common cause of aberrant splicing (PMID: 17576681, 9536098). Algorithms developed to predict the effect of sequence changes on RNA splicing suggest that this variant is not likely to affect RNA splicing. In summary, the available evidence is currently insufficient to determine the role of this variant in disease. Therefore, it has been classified as a Variant of Uncertain Significance.

Literature cited by the submitters: PubMed 17576681; PubMed 9536098.

NM_006767.4(LZTR1):c.2325+5C>T

Gene: LZTR1 (leucine zipper like post translational regulator 1; plus strand). Cytogenetic location: 22q11.21.
Variant type: single nucleotide variant.
Coding change: c.2325+5C>T on transcript NM_006767.4 (MANE Select); 5 bases into the intron after coding-DNA position 2325, C replaced by T.
Molecular consequence: intron variant.
Genome position (GRCh38, 1-based): chr22:20,996,806, C>T. VCF-style: chr22-20996806-C-T. GRCh37 (hg19) VCF-style: chr22-21351095-C-T.
Identifiers: ClinVar variation 2734806 (VCV002734806.2), dbSNP rs1197763629, ClinGen allele CA2655462769.
Genomic context (GRCh38, chr22:20,996,806, plus strand): 5'-AGGCGTACTGCAAGCAGAACCTGGAGATGAACGTGACGGTGCAGAACGTGCTGCAGGTAG[C>T]CCCCCAGCCCCGTGCACATGGCTGCAGCTCCCACTGAGTGGGTGAAAGGGGCAGCGCCTC-3'